The following is an entry in ClinVar:

ClinVar aggregate classification (germline): Uncertain significance (1 of 4 stars; one submission).

Conditions:
Glycogen storage disease, type VI (GSD6). Also called: Hepatic glycogen phosphorylase deficiency; Glycogen storage disease type 6; Glycogen storage disease type 6, due to phosphorylation; GSD VI; HERS DISEASE; PHOSPHORYLASE DEFICIENCY GLYCOGEN-STORAGE DISEASE OF LIVER. Identifiers: Orphanet 369, MedGen C0017925, MONDO:0009294, OMIM 232700.

Allele frequency attached by ClinVar (database versions not stated): ExAC 0.00001; TOPMed 0.00001; gnomAD 0.00002.
gnomAD v4.1: 13 of 1,613,602 alleles (0.00081%); highest among the groups gnomAD compares: Non-Finnish European, 0.0011%; no homozygotes.

Submission:

Labcorp Genetics (formerly Invitae), Labcorp
Classification: Uncertain significance for Glycogen storage disease, type VI. Last evaluated: 2022-05-21. Review status: criteria provided, single submitter. Criteria: Invitae Variant Classification Sherloc (09022015). Collection method: clinical testing. Allele origin: germline.
Comment: In summary, the available evidence is currently insufficient to determine the role of this variant in disease. Therefore, it has been classified as a Variant of Uncertain Significance. Advanced modeling of protein sequence and biophysical properties (such as structural, functional, and spatial information, amino acid conservation, physicochemical variation, residue mobility, and thermodynamic stability) performed at Invitae indicates that this missense variant is not expected to disrupt PYGL protein function. This variant has not been reported in the literature in individuals affected with PYGL-related conditions. The frequency data for this variant in the population databases is considered unreliable, as metrics indicate poor data quality at this position in the gnomAD database. This sequence change replaces arginine, which is basic and polar, with cysteine, which is neutral and slightly polar, at codon 17 of the PYGL protein (p.Arg17Cys).

NM_002863.5(PYGL):c.49C>T (p.Arg17Cys)

Gene: PYGL (glycogen phosphorylase L; minus strand). Cytogenetic location: 14q22.1.
Variant type: single nucleotide variant.
Coding change: c.49C>T on transcript NM_002863.5 (MANE Select); coding-DNA position 49, C replaced by T.
Protein change: p.Arg17Cys; replaces arginine 17 with cysteine.
Molecular consequence: missense variant.
Genome position (GRCh38, 1-based): chr14:50,944,355, G>A on the plus strand (C>T on the coding strand, the complement: PYGL is on the minus strand). VCF-style: chr14-50944355-G-A. GRCh37 (hg19) VCF-style: chr14-51411073-G-A.
Other names: c.49C>T, p.Arg17Cys (NM_001163940.2); short protein forms R17C.
Identifiers: ClinVar variation 2187008 (VCV002187008.4), dbSNP rs752372810, ClinGen allele CA7183920.
Genomic context (GRCh38, chr14:50,944,355, plus strand): 5'-GCAGGTGCCGGTTGAAACTCTTCTTCAGCTCTGCCACGTTCTCCACGCCCACGATGCCGC[G>A]GATGCTGATCTGCCGCCGCTTCTCCTGGTCCGTCAGGGGCTTCGCCATGGCTGGGGCGGC-3'
Protein context (NP_002854.3, residues 7-27): DQEKRRQISI[Arg17Cys]GIVGVENVAE